The following is an entry in ClinVar:

NM_002755.4(MAP2K1):c.939G>C (p.Leu313Phe)

Gene: MAP2K1 (mitogen-activated protein kinase kinase 1; plus strand). Cytogenetic location: 15q22.31.
Variant type: single nucleotide variant.
Coding change: c.939G>C on transcript NM_002755.4 (MANE Select); coding-DNA position 939, G replaced by C.
Protein change: p.Leu313Phe; replaces leucine 313 with phenylalanine.
Molecular consequence: missense variant.
Genome position (GRCh38, 1-based): chr15:66,487,271, G>C. VCF-style: chr15-66487271-G-C. GRCh37 (hg19) VCF-style: chr15-66779609-G-C.
Other names: short protein forms L313F.
Identifiers: ClinVar variation 503540 (VCV000503540.9), dbSNP rs1361965478, ClinGen allele CA392937558.
Genomic context (GRCh38, chr15:66,487,271, plus strand): 5'-TTTTATAAAATTTGTAGCATACGGAATGGACAGCCGACCTCCCATGGCAATTTTTGAGTT[G>C]TTGGATTACATAGTCAACGAGGTAAGTACTGCCTGGTTTCCTTCACCTTGGAATTTACTT-3'
Protein context (NP_002746.1, residues 303-323): DSRPPMAIFE[Leu313Phe]LDYIVNEPPP

ClinVar aggregate classification (germline): Uncertain significance. Review status: criteria provided, multiple submitters, no conflicts (2 of 4 stars). 3 submissions from 3 submitters: Uncertain significance (3). Last evaluated 2023-07-22.

Conditions:
RASopathy. Also called: rasopathies; Noonan spectrum disorder. Identifiers: Orphanet 536391, MedGen C5555857, MONDO:0021060.

Allele frequency attached by ClinVar (database versions not stated): gnomAD exomes below 0.00001; gnomAD 0.00001; TOPMed 0.00002.
gnomAD v4.1: 4 of 1,614,066 alleles (0.00025%); highest among the groups gnomAD compares: African/African-American, 0.0013%; no homozygotes.

Submissions (3):

Labcorp Genetics (formerly Invitae), Labcorp
Classification: Uncertain significance for RASopathy. Last evaluated: 2023-07-22. Review status: criteria provided, single submitter. Criteria: Invitae Variant Classification Sherloc (09022015). Collection method: clinical testing. Allele origin: germline.
Comment: This variant has not been reported in the literature in individuals affected with MAP2K1-related conditions. This variant is not present in population databases (gnomAD no frequency). This sequence change replaces leucine, which is neutral and non-polar, with phenylalanine, which is neutral and non-polar, at codon 313 of the MAP2K1 protein (p.Leu313Phe). ClinVar contains an entry for this variant (Variation ID: 503540). In summary, the available evidence is currently insufficient to determine the role of this variant in disease. Therefore, it has been classified as a Variant of Uncertain Significance. Advanced modeling of protein sequence and biophysical properties (such as structural, functional, and spatial information, amino acid conservation, physicochemical variation, residue mobility, and thermodynamic stability) has been performed at Invitae for this missense variant, however the output from this modeling did not meet the statistical confidence thresholds required to predict the impact of this variant on MAP2K1 protein function.

Women's Health and Genetics/Laboratory Corporation of America, LabCorp
Classification: Uncertain significance. Last evaluated: 2022-05-17. Review status: criteria provided, single submitter. Criteria: LabCorp Variant Classification Summary - May 2015. Collection method: clinical testing. Allele origin: germline.
Comment: Variant summary: MAP2K1 c.939G>C (p.Leu313Phe) results in a non-conservative amino acid change located in the Protein kinase domain of the encoded protein sequence. Five of five in-silico tools predict a damaging effect of the variant on protein function. The variant was absent in 251492 control chromosomes. The available data on variant occurrences in the general population are insufficient to allow any conclusion about variant significance. c.939G>C has been reported in the literature in an individual referred for genetic testing for HCM (Ceyhan-Birsoy_2018). This report does not provide unequivocal conclusions about association of the variant with Noonan Syndrome And Related Conditions. To our knowledge, no experimental evidence demonstrating an impact on protein function has been reported. One clinical diagnostic laboratory has submitted clinical-significance assessments for this variant to ClinVar after 2014 without evidence for independent evaluation. One laboratory classified the variant as uncertain significance. Based on the evidence outlined above, the variant was classified as uncertain significance.

Laboratory for Molecular Medicine, Mass General Brigham Personalized Medicine
Classification: Uncertain significance. Last evaluated: 2018-03-01. Review status: criteria provided, single submitter. Criteria: LMM Criteria. Collection method: clinical testing. Allele origin: germline.
Comment: Disclaimer: This variant has not undergone full assessment. The following are preliminary notes: Not present in GnomAd- good coverage; Not in ClinVar, Google search or HGMD; predicted damaging; well conserved

Literature cited by the submitters: PubMed 29696744 (cited by Women's Health and Genetics/Laboratory Corporation of America, LabCorp).